The following is an entry in ClinVar:

ClinVar aggregate classification (germline): Uncertain significance. Review status: criteria provided, multiple submitters, no conflicts (2 of 4 stars). 2 submissions from 2 submitters: Uncertain significance (2). Last evaluated 2025-05-29.

Conditions:
Wilson-Turner syndrome (WTS). Also called: INTELLECTUAL DEVELOPMENTAL DISORDER, X-LINKED, SYNDROMIC, WILSON-TURNER TYPE; MENTAL RETARDATION, X-LINKED, SYNDROMIC 6. Identifiers: Orphanet 3459, MedGen C1839736, MONDO:0010665, OMIM 309585.

Submissions (2):

Ambry Genetics
Classification: Uncertain significance. Last evaluated: 2025-05-29. Review status: criteria provided, single submitter. Criteria: Ambry Variant Classification Scheme 2023. Collection method: clinical testing. Allele origin: germline.

Labcorp Genetics (formerly Invitae), Labcorp
Classification: Uncertain significance for Wilson-Turner syndrome. Last evaluated: 2020-07-20. Review status: criteria provided, single submitter. Criteria: Invitae Variant Classification Sherloc (09022015). Collection method: clinical testing. Allele origin: germline.
Comment: In summary, the available evidence is currently insufficient to determine the role of this variant in disease. Therefore, it has been classified as a Variant of Uncertain Significance. Algorithms developed to predict the effect of missense changes on protein structure and function output the following: SIFT: "Tolerated"; PolyPhen-2: "Benign"; Align-GVGD: "Class C0". The alanine amino acid residue is found in multiple mammalian species, suggesting that this missense change does not adversely affect protein function. These predictions have not been confirmed by published functional studies and their clinical significance is uncertain. This variant has not been reported in the literature in individuals with LAS1L-related conditions. This variant is not present in population databases (ExAC no frequency). This sequence change replaces threonine with alanine at codon 613 of the LAS1L protein (p.Thr613Ala). The threonine residue is weakly conserved and there is a small physicochemical difference between threonine and alanine.

NM_031206.7(LAS1L):c.1837A>G (p.Thr613Ala)

Gene: LAS1L (LAS1 like ribosome biogenesis factor; minus strand). Cytogenetic location: Xq12.
Variant type: single nucleotide variant.
Coding change: c.1837A>G on transcript NM_031206.7 (MANE Select); coding-DNA position 1837, A replaced by G.
Protein change: p.Thr613Ala; replaces threonine 613 with alanine.
Molecular consequence: missense variant. On other transcripts: non-coding transcript variant (1).
Genome position (GRCh38, 1-based): chrX:65,518,077, T>C on the plus strand (A>G on the coding strand, the complement: LAS1L is on the minus strand). VCF-style: chrX-65518077-T-C. GRCh37 (hg19) VCF-style: chrX-64737957-T-C.
Other names: c.1837A>G (NM_031206.4); c.1786A>G, p.Thr596Ala (NM_001170649.2, NM_001375333.1); c.1660A>G, p.Thr554Ala (NM_001170650.2); c.1837A>G, p.Thr613Ala (NM_001375328.1); c.880A>G, p.Thr294Ala (NM_001375332.1); short protein forms T294A, T554A, T596A, T613A.
Identifiers: ClinVar variation 1056523 (VCV001056523.10), dbSNP rs2148270110, ClinGen allele CA413314894.